The following is an entry in ClinVar:

NM_001148.6(ANK2):c.4049C>G (p.Thr1350Ser)

Gene: ANK2 (ankyrin 2; plus strand). Cytogenetic location: 4q26.
Variant type: single nucleotide variant.
Coding change: c.4049C>G on transcript NM_001148.6 (MANE Select); coding-DNA position 4049, C replaced by G.
Protein change: p.Thr1350Ser; replaces threonine 1350 with serine.
Molecular consequence: missense variant.
Genome position (GRCh38, 1-based): chr4:113,341,843, C>G. VCF-style: chr4-113341843-C-G. GRCh37 (hg19) VCF-style: chr4-114262999-C-G.
Other names: c.4022C>G, p.Thr1341Ser (NM_001127493.3); c.4061C>G, p.Thr1354Ser (NM_001354225.2); c.3950C>G, p.Thr1317Ser (NM_001354228.2, NM_001354258.2); c.4028C>G, p.Thr1343Ser (NM_001354230.2); c.4091C>G, p.Thr1364Ser (NM_001354231.2, NM_001354242.2); c.4085C>G, p.Thr1362Ser (NM_001354232.2); c.4046C>G, p.Thr1349Ser (NM_001354235.2, NM_001354246.2, NM_001354265.2); c.3947C>G, p.Thr1316Ser (NM_001354236.2); and 31 more; short protein forms T1279S, T1296S, T1317S, T1333S, T1341S, T533S, T538S, T1295S.
Identifiers: ClinVar variation 3864012 (VCV003864012.2).

ClinVar aggregate classification (germline): Uncertain significance. Review status: criteria provided, multiple submitters, no conflicts (2 of 4 stars). 2 submissions from 2 submitters: Uncertain significance (2). Last evaluated 2025-01-06.

Conditions:
Cardiovascular phenotype. Identifiers: MedGen CN230736.

gnomAD v4.1: 7 of 1,614,048 alleles (0.00043%); highest among the groups gnomAD compares: Non-Finnish European, 0.00051%; no homozygotes.

Submissions (2):

Ambry Genetics
Classification: Uncertain significance for Cardiovascular phenotype. Last evaluated: 2025-01-06. Review status: criteria provided, single submitter. Criteria: Ambry Variant Classification Scheme 2023. Collection method: clinical testing. Allele origin: germline.
Comment: The p.T1350S variant (also known as c.4049C>G), located in coding exon 33 of the ANK2 gene, results from a C to G substitution at nucleotide position 4049. The threonine at codon 1350 is replaced by serine, an amino acid with similar properties. This amino acid position is conserved. In addition, the in silico prediction for this alteration is inconclusive. Based on the available evidence, the clinical significance of this variant remains unclear.

Blueprint Genetics
Classification: Uncertain significance. Last evaluated: 2023-11-02. Review status: criteria provided, single submitter. Criteria: ACMG Guidelines, 2015. Collection method: clinical testing. Allele origin: germline.